The following is an entry in ClinVar:

ClinVar aggregate classification (germline): Conflicting classifications of pathogenicity. Review status: criteria provided, conflicting classifications (1 of 4 stars). 2 submissions from 2 submitters: Uncertain significance (1); Likely benign (1). Last evaluated 2025-08-20.

Conditions:
Cardiomyopathy (CMYO). Also called: Cardiomyopathies. Identifiers: Orphanet 167848, MedGen C0878544, MONDO:0004994, HP:0001638. Inheritance: Various modes of inheritance.

Allele frequency attached by ClinVar (database versions not stated): gnomAD exomes 0.00001 and 0.00002; TOPMed 0.00003.
gnomAD v4.1: 8 of 1,406,384 alleles (0.00057%); highest among the groups gnomAD compares: Admixed American, 0.0097%; no homozygotes.

Submissions (2):

Color Diagnostics, LLC DBA Color Health
Classification: Uncertain significance for Cardiomyopathy. Last evaluated: 2025-08-20. Review status: criteria provided, single submitter. Criteria: ACMG Guidelines, 2015. Collection method: clinical testing. Allele origin: germline.
Comment: This variant causes a single nucleotide substitution in the 5' untranslated region of the PKP2 protein. To our knowledge, functional studies have not been reported for this variant. This variant has not been reported in individuals affected with cardiovascular disorders in the literature. This variant has been identified in 1/66618 chromosomes in the general population by the Genome Aggregation Database (gnomAD). The available evidence is insufficient to determine the role of this variant in disease conclusively. Therefore, this variant is classified as a Variant of Uncertain Significance.

GeneDx
Classification: Likely benign. Last evaluated: 2015-12-01. Review status: criteria provided, single submitter. Criteria: GeneDx Variant Classification (06012015). Collection method: clinical testing. Allele origin: germline. Affected: yes.
Comment: This variant is considered likely benign or benign based on one or more of the following criteria: it is a conservative change, it occurs at a poorly conserved position in the protein, it is predicted to be benign by multiple in silico algorithms, and/or has population frequency not consistent with disease.

NM_001005242.3(PKP2):c.-7C>T

Gene: PKP2 (plakophilin 2; minus strand). Cytogenetic location: 12p11.21.
Variant type: single nucleotide variant.
Coding change: c.-7C>T on transcript NM_001005242.3 (MANE Select); 7 bases upstream of the start codon, C replaced by T.
Molecular consequence: 5 prime UTR variant.
Genome position (GRCh38, 1-based): chr12:32,896,738, G>A on the plus strand (C>T on the coding strand, the complement: PKP2 is on the minus strand). VCF-style: chr12-32896738-G-A. GRCh37 (hg19) VCF-style: chr12-33049672-G-A.
Other names: c.-7C>T (NM_004572.4).
Identifiers: ClinVar variation 379142 (VCV000379142.6), dbSNP rs959129403, ClinGen allele CA16606528.